The following is an entry in ClinVar:

NM_006662.3(SRCAP):c.4342C>G (p.Pro1448Ala)

Gene: SRCAP (Snf2 related CREBBP activator protein; plus strand). Cytogenetic location: 16p11.2.
Variant type: single nucleotide variant.
Coding change: c.4342C>G on transcript NM_006662.3 (MANE Select); coding-DNA position 4342, C replaced by G.
Protein change: p.Pro1448Ala; replaces proline 1448 with alanine.
Molecular consequence: missense variant.
Genome position (GRCh38, 1-based): chr16:30,723,766, C>G. VCF-style: chr16-30723766-C-G. GRCh37 (hg19) VCF-style: chr16-30735087-C-G.
Other names: short protein forms P1448A.
Identifiers: ClinVar variation 1403851 (VCV001403851.6), dbSNP rs539793255, ClinGen allele CA395615800.

ClinVar aggregate classification (germline): Uncertain significance (1 of 4 stars; one submission).

gnomAD v4.1: 1 of 1,614,096 alleles (0.000062%); no homozygotes.

Submission:

Labcorp Genetics (formerly Invitae), Labcorp
Classification: Uncertain significance. Last evaluated: 2021-11-19. Review status: criteria provided, single submitter. Criteria: Invitae Variant Classification Sherloc (09022015). Collection method: clinical testing. Allele origin: germline.
Comment: In summary, the available evidence is currently insufficient to determine the role of this variant in disease. Therefore, it has been classified as a Variant of Uncertain Significance. Algorithms developed to predict the effect of missense changes on protein structure and function are either unavailable or do not agree on the potential impact of this missense change (SIFT: "Deleterious"; PolyPhen-2: "Possibly Damaging"; Align-GVGD: "Class C0"). This variant has not been reported in the literature in individuals affected with SRCAP-related conditions. This variant is not present in population databases (gnomAD no frequency). This sequence change replaces proline, which is neutral and non-polar, with alanine, which is neutral and non-polar, at codon 1448 of the SRCAP protein (p.Pro1448Ala).